The following is an entry in ClinVar:

NM_014633.5(CTR9):c.739G>C (p.Glu247Gln)

Gene: CTR9 (CTR9 homolog, Paf1/RNA polymerase II complex component; plus strand). Cytogenetic location: 11p15.4.
Variant type: single nucleotide variant.
Coding change: c.739G>C on transcript NM_014633.5 (MANE Select); coding-DNA position 739, G replaced by C.
Protein change: p.Glu247Gln; replaces glutamic acid 247 with glutamine.
Molecular consequence: missense variant.
Genome position (GRCh38, 1-based): chr11:10,760,319, G>C. VCF-style: chr11-10760319-G-C. GRCh37 (hg19) VCF-style: chr11-10781866-G-C.
Other names: c.739G>C, p.Glu247Gln (NM_001346279.2); short protein forms E247Q.
Identifiers: ClinVar variation 3774635 (VCV003774635.1).

ClinVar aggregate classification (germline): Uncertain significance (1 of 4 stars; one submission).

Submission:

GeneDx
Classification: Uncertain significance. Last evaluated: 2024-09-24. Review status: criteria provided, single submitter. Criteria: GeneDx Variant Classification Process June 2021. Collection method: clinical testing. Allele origin: germline. Affected: yes.
Comment: Not observed at significant frequency in large population cohorts (gnomAD); In silico analysis indicates that this missense variant does not alter protein structure/function; Has not been previously published as pathogenic or benign to our knowledge